The following is an entry in ClinVar:

ClinVar aggregate classification (germline): Uncertain significance. Review status: criteria provided, multiple submitters, no conflicts (2 of 4 stars). 3 submissions from 3 submitters: Uncertain significance (3). Last evaluated 2025-05-15.

Conditions:
Polycystic kidney disease, adult type (PKD1). Also called: POLYCYSTIC KIDNEY DISEASE, ADULT, TYPE I; Polycystic Kidney Disease 1, Autosomal Dominant; Polycystic kidney disease 1; Polycystic kidney disease 1, severe; Polycystic Kidney, Autosomal Dominant; POLYCYSTIC KIDNEY DISEASE 1 WITH OR WITHOUT POLYCYSTIC LIVER DISEASE. Identifiers: MedGen C3149841, MONDO:0008263, OMIM 173900.

Submissions (3):

Revvity Omics, Revvity
Classification: Uncertain significance for Polycystic kidney disease, adult type. Last evaluated: 2025-05-15. Review status: criteria provided, single submitter. Criteria: ACMG Guidelines, 2015. Collection method: clinical testing. Allele origin: germline.

MVZ Medizinische Genetik Mainz
Classification: Uncertain significance for Polycystic kidney disease, adult type. Last evaluated: 2024-11-04. Review status: criteria provided, single submitter. Criteria: UK Practice Guidelines For Variant Classification V4 01 2020. Collection method: clinical testing. Allele origin: germline. Inheritance: Autosomal dominant inheritance. Affected: yes. Observed: 1 variant allele.
Comment: ACMG Criteria: PM2_SUP,PP4

Department of Pathology and Laboratory Medicine, Sinai Health System
Classification: Uncertain significance for Polycystic kidney disease, adult type. Last evaluated: 2023-12-04. Review status: criteria provided, single submitter. Criteria: ACMG Guidelines, 2015. Collection method: clinical testing. Allele origin: germline. Affected: yes.

NM_001009944.3(PKD1):c.8776T>C (p.Tyr2926His)

Gene: PKD1 (polycystin 1, transient receptor potential channel interacting; minus strand). Cytogenetic location: 16p13.3.
Variant type: single nucleotide variant.
Coding change: c.8776T>C on transcript NM_001009944.3 (MANE Select); coding-DNA position 8776, T replaced by C.
Protein change: p.Tyr2926His; replaces tyrosine 2926 with histidine.
Molecular consequence: missense variant.
Genome position (GRCh38, 1-based): chr16:2,103,281, A>G on the plus strand (T>C on the coding strand, the complement: PKD1 is on the minus strand). VCF-style: chr16-2103281-A-G. GRCh37 (hg19) VCF-style: chr16-2153282-A-G.
Other names: c.8776T>C, p.Tyr2926His (NM_000296.4); short protein forms Y2926H.
Identifiers: ClinVar variation 3383225 (VCV003383225.3).